The following is an entry in ClinVar:

ClinVar aggregate classification (germline): Uncertain significance. Review status: criteria provided, multiple submitters, no conflicts (2 of 4 stars). 2 submissions from 2 submitters: Uncertain significance (2). Last evaluated 2025-12-16.

Allele frequency attached by ClinVar (database versions not stated): gnomAD exomes 0.00001; TOPMed 0.00001; gnomAD 0.00002.
gnomAD v4.1: 12 of 1,613,832 alleles (0.00074%); highest among the groups gnomAD compares: Middle Eastern, 0.033%; no homozygotes.

Submissions (2):

Labcorp Genetics (formerly Invitae), Labcorp
Classification: Uncertain significance. Last evaluated: 2025-12-16. Review status: criteria provided, single submitter. Criteria: Invitae Variant Classification Sherloc (09022015). Collection method: clinical testing. Allele origin: germline.
Comment: This sequence change replaces glutamine, which is neutral and polar, with proline, which is neutral and non-polar, at codon 465 of the IL23R protein (p.Gln465Pro). This variant is present in population databases (no rsID available, gnomAD 0.002%). This variant has not been reported in the literature in individuals affected with IL23R-related conditions. ClinVar contains an entry for this variant (Variation ID: 1515213). An algorithm developed to predict the effect of missense changes on protein structure and function outputs the following: PolyPhen-2: "Possibly Damaging". The proline amino acid residue is found in multiple mammalian species, which suggests that this missense change does not adversely affect protein function. In summary, the available evidence is currently insufficient to determine the role of this variant in disease. Therefore, it has been classified as a Variant of Uncertain Significance.

Ambry Genetics
Classification: Uncertain significance. Last evaluated: 2025-11-23. Review status: criteria provided, single submitter. Criteria: Ambry Variant Classification Scheme 2023. Collection method: clinical testing. Allele origin: germline.

NM_144701.3(IL23R):c.1394A>C (p.Gln465Pro)

Gene: IL23R (interleukin 23 receptor; plus strand). Cytogenetic location: 1p31.3.
Variant type: single nucleotide variant.
Coding change: c.1394A>C on transcript NM_144701.3 (MANE Select); coding-DNA position 1394, A replaced by C.
Protein change: p.Gln465Pro; replaces glutamine 465 with proline.
Molecular consequence: missense variant.
Genome position (GRCh38, 1-based): chr1:67,258,632, A>C. VCF-style: chr1-67258632-A-C. GRCh37 (hg19) VCF-style: chr1-67724315-A-C.
Other names: c.1394A>C (NM_144701.2); short protein forms Q465P.
Identifiers: ClinVar variation 1515213 (VCV001515213.9), dbSNP rs1475068608, ClinGen allele CA340728025.
Genomic context (GRCh38, chr1:67,258,632, plus strand): 5'-ACAAGCCTACAGACTACAAGAAGGAGAATACAGGACCCCTGGAGACAAGAGACTACCCGC[A>C]AAACTCGCTATTCGACAATACTACAGTTGTATATATTCCTGATCTCAACACTGGATATAA-3'
Protein context (NP_653302.2, residues 455-475): TGPLETRDYP[Gln465Pro]NSLFDNTTVV